The following is an entry in ClinVar:

ClinVar aggregate classification (germline): Conflicting classifications of pathogenicity. Review status: criteria provided, conflicting classifications (1 of 4 stars). 2 submissions from 2 submitters: Likely pathogenic (1); Uncertain significance (1). Last evaluated 2025-03-14.

Conditions:
Very long chain acyl-CoA dehydrogenase deficiency (ACADVLD). Also called: Very Long-Chain Acyl-Coenzyme A Dehydrogenase Deficiency; VLCAD Deficiency. Identifiers: Orphanet 26793, MedGen C3887523, MONDO:0008723, OMIM 201475.

gnomAD v4.1: 1 of 1,614,002 alleles (0.000062%); highest among the groups gnomAD compares: Admixed American, 0.0017%; no homozygotes.

Submissions (2):

Women's Health and Genetics/Laboratory Corporation of America, LabCorp
Classification: Uncertain significance. Last evaluated: 2025-03-14. Review status: criteria provided, single submitter. Criteria: LabCorp Variant Classification Summary - May 2015. Collection method: clinical testing. Allele origin: germline.
Comment: Variant summary: ACADVL c.1226C>G (p.Thr409Arg) results in a non-conservative amino acid change located in the Acyl-CoA dehydrogenase/oxidase, C-terminal domain (IPR009075) of the encoded protein sequence. Three of five in-silico tools predict a damaging effect of the variant on protein function. The variant allele was found at a frequency of 4e-06 in 251476 control chromosomes. The available data on variant occurrences in the general population are insufficient to allow any conclusion about variant significance. To our knowledge, no occurrence of c.1226C>G in individuals affected with Very Long Chain Acyl-CoA Dehydrogenase Deficiency and no experimental evidence demonstrating its impact on protein function have been reported. ClinVar contains an entry for this variant (Variation ID: 1397628). Based on the evidence outlined above, the variant was classified as uncertain significance.

Labcorp Genetics (formerly Invitae), Labcorp
Classification: Likely pathogenic for Very long chain acyl-CoA dehydrogenase deficiency. Last evaluated: 2023-04-25. Review status: criteria provided, single submitter. Criteria: Invitae Variant Classification Sherloc (09022015). Collection method: clinical testing. Allele origin: germline.
Comment: In summary, the currently available evidence indicates that the variant is pathogenic, but additional data are needed to prove that conclusively. Therefore, this variant has been classified as Likely Pathogenic. This variant disrupts the p.Thr409 amino acid residue in ACADVL. Other variant(s) that disrupt this residue have been determined to be pathogenic (PMID: 24503138, 25085675, 27246109, 31031081). This suggests that this residue is clinically significant, and that variants that disrupt this residue are likely to be disease-causing. Algorithms developed to predict the effect of sequence changes on RNA splicing suggest that this variant may disrupt the consensus splice site. Advanced modeling of protein sequence and biophysical properties (such as structural, functional, and spatial information, amino acid conservation, physicochemical variation, residue mobility, and thermodynamic stability) performed at Invitae indicates that this missense variant is expected to disrupt ACADVL protein function. ClinVar contains an entry for this variant (Variation ID: 1397628). This variant has not been reported in the literature in individuals affected with ACADVL-related conditions. This variant is present in population databases (rs113994169, gnomAD 0.003%). This sequence change replaces threonine, which is neutral and polar, with arginine, which is basic and polar, at codon 409 of the ACADVL protein (p.Thr409Arg).

Literature cited by the submitters: PubMed 24503138 (cited by Labcorp Genetics (formerly Invitae), Labcorp); PubMed 25085675 (cited by Labcorp Genetics (formerly Invitae), Labcorp); PubMed 27246109 (cited by Labcorp Genetics (formerly Invitae), Labcorp); PubMed 31031081 (cited by Labcorp Genetics (formerly Invitae), Labcorp).

NM_000018.4(ACADVL):c.1226C>G (p.Thr409Arg)

Gene: ACADVL (acyl-CoA dehydrogenase very long chain; plus strand). Cytogenetic location: 17p13.1.
Variant type: single nucleotide variant.
Coding change: c.1226C>G on transcript NM_000018.4 (MANE Select); coding-DNA position 1226, C replaced by G.
Protein change: p.Thr409Arg; replaces threonine 409 with arginine.
Molecular consequence: missense variant.
Genome position (GRCh38, 1-based): chr17:7,223,687, C>G. VCF-style: chr17-7223687-C-G. GRCh37 (hg19) VCF-style: chr17-7127006-C-G.
Other names: c.1160C>G, p.Thr387Arg (NM_001033859.3); c.1295C>G, p.Thr432Arg (NM_001270447.2); c.998C>G, p.Thr333Arg (NM_001270448.2); short protein forms T387R, T333R, T409R, T432R.
Identifiers: ClinVar variation 1397628 (VCV001397628.8), dbSNP rs113994169, ClinGen allele CA8338040.